The following is an entry in ClinVar:

ClinVar aggregate classification (germline): Uncertain significance (1 of 4 stars; one submission).

Submission:

Labcorp Genetics (formerly Invitae), Labcorp
Classification: Uncertain significance. Last evaluated: 2022-04-16. Review status: criteria provided, single submitter. Criteria: Invitae Variant Classification Sherloc (09022015). Collection method: clinical testing. Allele origin: germline.
Comment: In summary, the available evidence is currently insufficient to determine the role of this variant in disease. Therefore, it has been classified as a Variant of Uncertain Significance. Algorithms developed to predict the effect of missense changes on protein structure and function (SIFT, PolyPhen-2, Align-GVGD) all suggest that this variant is likely to be disruptive. This variant has not been reported in the literature in individuals affected with PRDM13-related conditions. This variant is not present in population databases (gnomAD no frequency). This sequence change replaces leucine, which is neutral and non-polar, with proline, which is neutral and non-polar, at codon 423 of the PRDM13 protein (p.Leu423Pro).

NM_021620.4(PRDM13):c.1268T>C (p.Leu423Pro)

Gene: PRDM13 (PR/SET domain 13; plus strand). Cytogenetic location: 6q16.2.
Variant type: single nucleotide variant.
Coding change: c.1268T>C on transcript NM_021620.4 (MANE Select); coding-DNA position 1268, T replaced by C.
Protein change: p.Leu423Pro; replaces leucine 423 with proline.
Molecular consequence: missense variant.
Genome position (GRCh38, 1-based): chr6:99,613,903, T>C. VCF-style: chr6-99613903-T-C. GRCh37 (hg19) VCF-style: chr6-100061779-T-C.
Other names: short protein forms L423P.
Identifiers: ClinVar variation 2126736 (VCV002126736.4), dbSNP rs2538546645, ClinGen allele CA365118046.